The following is an entry in ClinVar:

NM_000093.5(COL5A1):c.5136+114G>C

Genes: COL5A1 (collagen type V alpha 1 chain; plus strand), LOC101448202 (uncharacterized LOC101448202; minus strand). Cytogenetic location: 9q34.3.
Variant type: single nucleotide variant.
Coding change: c.5136+114G>C on transcript NM_000093.5 (MANE Select); 114 bases into the intron after coding-DNA position 5136, G replaced by C.
Molecular consequence: intron variant. On other transcripts: missense variant (1).
Genome position (GRCh38, 1-based): chr9:134,830,158, G>C. VCF-style: chr9-134830158-G-C. GRCh37 (hg19) VCF-style: chr9-137722004-G-C.
Other names: c.5118G>C, p.Gln1706His (NM_001278074.1); short protein forms Q1706H.
Identifiers: ClinVar variation 3381361 (VCV003381361.1).

ClinVar aggregate classification (germline): Uncertain significance (1 of 4 stars; one submission).

gnomAD v4.1: 1 of 1,611,126 alleles (0.000062%); highest among the groups gnomAD compares: East Asian, 0.0022%; no homozygotes.

Submission:

GeneDx
Classification: Uncertain significance. Last evaluated: 2024-05-24. Review status: criteria provided, single submitter. Criteria: GeneDx Variant Classification Process June 2021. Collection method: clinical testing. Allele origin: germline. Affected: yes.
Comment: Reported using an alternate transcript of the gene; Has not been previously published as pathogenic or benign to our knowledge; Not observed at significant frequency in large population cohorts (gnomAD); In silico analysis supports a deleterious effect on splicing; This variant is associated with the following publications: (PMID: 22696272)